The following is an entry in ClinVar:

ClinVar aggregate classification (germline): Uncertain significance. Review status: criteria provided, multiple submitters, no conflicts (2 of 4 stars). 3 submissions from 3 submitters: Uncertain significance (3). Last evaluated 2023-03-17.

Conditions:
Inborn genetic diseases. Identifiers: MedGen C0950123, MeSH D030342.
Isolated microphthalmia 5. Also called: Posterior Microphthalmia with Retinitis Pigmentosa, Foveoschisis, and Optic Disc Drusen. Identifiers: Orphanet 251279, MedGen C1970236, MONDO:0012605, OMIM 611040.

Allele frequency attached by ClinVar (database versions not stated): ExAC 0.00004; gnomAD 0.00004; TOPMed 0.00004; gnomAD exomes 0.00006.
gnomAD v4.1: 30 of 1,613,884 alleles (0.0019%); highest among the groups gnomAD compares: African/African-American, 0.008%; no homozygotes.

Submissions (3):

Ambry Genetics
Classification: Uncertain significance for Inborn genetic diseases. Last evaluated: 2023-03-17. Review status: criteria provided, single submitter. Criteria: Ambry Variant Classification Scheme 2023. Collection method: clinical testing. Allele origin: germline.

Blueprint Genetics
Classification: Uncertain significance. Last evaluated: 2022-11-16. Review status: criteria provided, single submitter. Criteria: ACMG Guidelines, 2015. Collection method: clinical testing. Allele origin: germline.

Labcorp Genetics (formerly Invitae), Labcorp
Classification: Uncertain significance for Isolated microphthalmia 5. Last evaluated: 2022-08-07. Review status: criteria provided, single submitter. Criteria: Invitae Variant Classification Sherloc (09022015). Collection method: clinical testing. Allele origin: germline.
Comment: This sequence change replaces arginine, which is basic and polar, with cysteine, which is neutral and slightly polar, at codon 201 of the MFRP protein (p.Arg201Cys). This variant is present in population databases (rs750045130, gnomAD 0.01%). This variant has not been reported in the literature in individuals affected with MFRP-related conditions. ClinVar contains an entry for this variant (Variation ID: 962332). Algorithms developed to predict the effect of missense changes on protein structure and function are either unavailable or do not agree on the potential impact of this missense change (SIFT: "Tolerated"; PolyPhen-2: "Probably Damaging"; Align-GVGD: "Class C15"). In summary, the available evidence is currently insufficient to determine the role of this variant in disease. Therefore, it has been classified as a Variant of Uncertain Significance.

NM_031433.4(MFRP):c.601C>T (p.Arg201Cys)

Genes: C1QTNF5 (C1q and TNF related 5; minus strand), MFRP (membrane frizzled-related protein; minus strand). Cytogenetic location: 11q23.3.
Variant type: single nucleotide variant.
Coding change: c.601C>T on transcript NM_031433.4 (MANE Select); coding-DNA position 601, C replaced by T.
Protein change: p.Arg201Cys; replaces arginine 201 with cysteine.
Molecular consequence: missense variant. On other transcripts: 5 prime UTR variant (1).
Genome position (GRCh38, 1-based): chr11:119,345,460, G>A on the plus strand (C>T on the coding strand, the complement: MFRP is on the minus strand). VCF-style: chr11-119345460-G-A. GRCh37 (hg19) VCF-style: chr11-119216170-G-A.
Other names: c.-2036C>T (NM_015645.5); short protein forms R201C.
Identifiers: ClinVar variation 962332 (VCV000962332.11), dbSNP rs750045130, ClinGen allele CA6320495.